The following is an entry in ClinVar:

ClinVar aggregate classification (germline): Uncertain significance (1 of 4 stars; one submission).

Submission:

GeneDx
Classification: Uncertain significance. Last evaluated: 2023-10-30. Review status: criteria provided, single submitter. Criteria: GeneDx Variant Classification Process June 2021. Collection method: clinical testing. Allele origin: germline. Affected: yes.
Comment: Not observed at significant frequency in large population cohorts (gnomAD); In silico analysis supports that this missense variant has a deleterious effect on protein structure/function; Has not been previously published as pathogenic or benign to our knowledge

NM_016333.4(SRRM2):c.1490C>G (p.Ser497Cys)

Gene: SRRM2 (serine/arginine repetitive matrix 2; plus strand). Cytogenetic location: 16p13.3.
Variant type: single nucleotide variant.
Coding change: c.1490C>G on transcript NM_016333.4 (MANE Select); coding-DNA position 1490, C replaced by G.
Protein change: p.Ser497Cys; replaces serine 497 with cysteine.
Molecular consequence: missense variant.
Genome position (GRCh38, 1-based): chr16:2,762,018, C>G. VCF-style: chr16-2762018-C-G. GRCh37 (hg19) VCF-style: chr16-2812019-C-G.
Other names: short protein forms S497C.
Identifiers: ClinVar variation 3363661 (VCV003363661.1).
Genomic context (GRCh38, chr16:2,762,018, plus strand): 5'-CCTCCCGTAGGATGGGGAGGTCCCGTAGCCCTGCCACCGCTAAGAGAGGGCGATCTCGGT[C>G]TCGAACCCCTACCAAGAGAGGTCATTCTCGATCCCGATCTCCCCAGTGGCGTAGGTCCAG-3'
Protein context (NP_057417.3, residues 487-507): PATAKRGRSR[Ser497Cys]RTPTKRGHSR